The following is an entry in ClinVar:

ClinVar aggregate classification (germline): Uncertain significance (1 of 4 stars; one submission).

Conditions:
Fanconi anemia (FA). Also called: Fanconi's anemia. Identifiers: Orphanet 84, MedGen C0015625, MeSH D005199, MONDO:0019391.

gnomAD v4.1: 2 of 1,613,102 alleles (0.00012%); highest among the groups gnomAD compares: South Asian, 0.0022%; no homozygotes.

Submission:

Labcorp Genetics (formerly Invitae), Labcorp
Classification: Uncertain significance for Fanconi anemia. Last evaluated: 2024-03-21. Review status: criteria provided, single submitter. Criteria: Invitae Variant Classification Sherloc (09022015). Collection method: clinical testing. Allele origin: germline.
Comment: This sequence change replaces cysteine, which is neutral and slightly polar, with tyrosine, which is neutral and polar, at codon 1626 of the SLX4 protein (p.Cys1626Tyr). This variant is present in population databases (no rsID available, gnomAD 0.003%). This variant has not been reported in the literature in individuals affected with SLX4-related conditions. An algorithm developed to predict the effect of missense changes on protein structure and function (PolyPhen-2) suggests that this variant is likely to be tolerated. In summary, the available evidence is currently insufficient to determine the role of this variant in disease. Therefore, it has been classified as a Variant of Uncertain Significance.

NM_032444.4(SLX4):c.4877G>A (p.Cys1626Tyr)

Gene: SLX4 (SLX4 structure-specific endonuclease subunit; minus strand). Cytogenetic location: 16p13.3.
Variant type: single nucleotide variant.
Coding change: c.4877G>A on transcript NM_032444.4 (MANE Select); coding-DNA position 4877, G replaced by A.
Protein change: p.Cys1626Tyr; replaces cysteine 1626 with tyrosine.
Molecular consequence: missense variant.
Genome position (GRCh38, 1-based): chr16:3,583,373, C>T on the plus strand (G>A on the coding strand, the complement: SLX4 is on the minus strand). VCF-style: chr16-3583373-C-T. GRCh37 (hg19) VCF-style: chr16-3633374-C-T.
Other names: short protein forms C1626Y.
Identifiers: ClinVar variation 3641912 (VCV003641912.2).